The following is an entry in ClinVar:

ClinVar aggregate classification (germline): Benign. Review status: criteria provided, multiple submitters, no conflicts (2 of 4 stars). 2 submissions from 2 submitters: Benign (2). Last evaluated 2024-01-24.

Conditions:
Immunodeficiency 45 (IMD45). Identifiers: MedGen C4225252, MONDO:0014727, OMIM 616669.

Submissions (2):

Unidad de Genómica Garrahan, Hospital de Pediatría Garrahan
Classification: Benign. Last evaluated: 2024-01-24. Review status: criteria provided, single submitter. Criteria: ACMG Guidelines, 2015. Collection method: clinical testing. Allele origin: germline. Affected: no. Observed: 88 variant alleles.
Comment: This variant is classified as Benign based on local population frequency. This variant was detected in 93% of patients studied by a panel of primary immunodeficiencies. Number of patients: 88. Only high quality variants are reported.

Genome-Nilou Lab
Classification: Benign for Immunodeficiency 45. Last evaluated: 2021-08-10. Review status: criteria provided, single submitter. Criteria: ACMG Guidelines, 2015. Collection method: clinical testing. Allele origin: germline. Affected: no.

NM_001289125.3(IFNAR2):c.841-4del

Genes: IFNAR2-IL10RB (IFNAR2-IL10RB readthrough; plus strand), IFNAR2 (interferon alpha and beta receptor subunit 2; plus strand). Cytogenetic location: 21q22.11.
Variant type: Deletion.
Coding change: c.841-4del on transcript NM_001289125.3 (MANE Select); 4 bases into the intron before coding-DNA position 841, one base deleted (T; older notation c.841-4delT).
Molecular consequence: intron variant. On other transcripts: 3 prime UTR variant (3).
Genome position (GRCh38, 1-based): chr21:33,262,789, T deleted; the last of 15 consecutive T bases (chr21:33,262,775-33,262,789); deleting any one gives the same sequence. VCF-style (leftmost placement, unchanged base first): chr21-33262774-CT-C. GRCh37 (hg19) VCF-style: chr21-34635079-CT-C.
Other names: c.*73del (NM_000874.5, NM_207584.3); c.*212del (NM_001385054.1); c.710-4del (NM_001289128.2, NM_001289126.2); c.841-4del (NM_207585.3, NM_001385055.1).
Identifiers: ClinVar variation 1285251 (VCV001285251.4), dbSNP rs34865572, ClinGen allele CA10005855.
Genomic context (GRCh38, chr21:33,262,774, plus strand): 5'-TAAGTTTTATTATGTAGAAAATAAAGAGCAAACAGTACAGCTGATACGGACTCTCTCTCT[CT>C]TTTTTTTTTTTTTTAAGAATTTTCATAACTTTTTAGCCTGGCCATTTCCTAACCTGCCAC-3'